The following is an entry in ClinVar:

NM_003896.4(ST3GAL5):c.895dup (p.Ile299fs)

Gene: ST3GAL5 (ST3 beta-galactoside alpha-2,3-sialyltransferase 5; minus strand). Cytogenetic location: 2p11.2.
Variant type: Duplication.
Coding change: c.895dup on transcript NM_003896.4 (MANE Select); coding-DNA position 895, one base duplicated (A; older notation c.895dupA).
Protein change: p.Ile299fs; shifts the reading frame from isoleucine 299.
Molecular consequence: frameshift variant. On other transcripts: intron variant (1).
Genome position (GRCh38, 1-based): chr2:85,844,509, T duplicated on the plus strand (A on the coding strand, the reverse complement: ST3GAL5 is on the minus strand); the first of 6 consecutive T bases (chr2:85,844,509-85,844,514); duplicating any one gives the same sequence. VCF-style (leftmost placement, unchanged base first): chr2-85844508-A-AT. GRCh37 (hg19) VCF-style: chr2-86071631-A-AT.
Other names: c.511dup, p.Ile171fs (NM_001354248.1, NM_001354223.2, NM_001354224.2 and 3 more transcripts); c.849+1868dup (NM_001363847.1); c.826dup, p.Ile276fs (NM_001042437.2); c.811dup, p.Ile271fs (NM_001354227.2, NM_001354229.2, NM_001354238.1); c.172dup, p.Ile58fs (NM_001354247.1); short protein forms I271fs, I299fs, I58fs, I171fs, I276fs.
Identifiers: ClinVar variation 2799674 (VCV002799674.3), dbSNP rs1450189213, ClinGen allele CA534197520.

ClinVar aggregate classification (germline): Pathogenic (1 of 4 stars; one submission).

Conditions:
GM3 synthase deficiency (SPDRS). Also called: AMISH INFANTILE EPILEPSY SYNDROME; SALT AND PEPPER DEVELOPMENTAL REGRESSION SYNDROME; SALT AND PEPPER MENTAL RETARDATION SYNDROME. Identifiers: Orphanet 171714, Orphanet 370933, MedGen C1836824, MONDO:0018274, OMIM 609056.

Submission:

Labcorp Genetics (formerly Invitae), Labcorp
Classification: Pathogenic for GM3 synthase deficiency. Last evaluated: 2024-03-16. Review status: criteria provided, single submitter. Criteria: Invitae Variant Classification Sherloc (09022015). Collection method: clinical testing. Allele origin: germline.
Comment: This sequence change creates a premature translational stop signal (p.Ile299Asnfs*22) in the ST3GAL5 gene. It is expected to result in an absent or disrupted protein product. Loss-of-function variants in ST3GAL5 are known to be pathogenic (PMID: 15502825, 22990144, 27232954). This variant is present in population databases (no rsID available, gnomAD 0.0009%). This variant has not been reported in the literature in individuals affected with ST3GAL5-related conditions. For these reasons, this variant has been classified as Pathogenic.

Literature cited by the submitters: PubMed 15502825; PubMed 22990144; PubMed 27232954.